The following is an entry in ClinVar:

ClinVar aggregate classification (germline): Uncertain significance (3 of 4 stars; one submission).

Conditions:
Phenylketonuria (PKU). Also called: Phenylketonurias; OLIGOPHRENIA PHENYLPYRUVICA; FOLLING DISEASE; Phenylketonuria (PKU). Identifiers: Orphanet 716, MedGen C0031485, MONDO:0009861, OMIM 261600. Disease mechanism: loss of function.

Submission:

ClinGen PAH Variant Curation Expert Panel
Classification: Uncertain significance for Phenylketonuria. Last evaluated: 2022-12-09. Review status: reviewed by expert panel. Criteria: ClinGen PAH ACMG Specifications v1. Collection method: curation. Allele origin: germline. Inheritance: Autosomal recessive inheritance.
Comment: This c.843T>A (p.Pro281Pro) variant in PAH was detected with the pathogenic variant c.168+5G>C in a patient with PKU (PMID:26413448). This variant was absent in population databases. This is a synonymous variant which is not predicted to have a splice-altering consequence. In summary, this variant meets criteria to be classified as a variant of unknown significance for PAH. PAH-specific ACMG/AMP criteria applied: BP7, PM3_Supporting, PM2, PP4.

NM_000277.3(PAH):c.843T>A (p.Pro281=)

Genes: PAH (phenylalanine hydroxylase; minus strand), LOC126861615 (CDK7 strongly-dependent group 2 enhancer GRCh37_chr12:103244689-103245888; plus strand). Cytogenetic location: 12q23.2.
Variant type: single nucleotide variant.
Coding change: c.843T>A on transcript NM_000277.3 (MANE Select); coding-DNA position 843, T replaced by A.
Protein change: p.Pro281=; no amino-acid change (proline 281 retained).
Molecular consequence: synonymous variant.
Genome position (GRCh38, 1-based): chr12:102,851,756, A>T on the plus strand (T>A on the coding strand, the complement: PAH is on the minus strand). VCF-style: chr12-102851756-A-T. GRCh37 (hg19) VCF-style: chr12-103245534-A-T.
Other names: NM_001354304.2:c.843T>A; c.843T>A, p.Pro281= (NM_001354304.2).
Identifiers: ClinVar variation 1810394 (VCV001810394.1), dbSNP rs772249197, ClinGen allele CA481331323.